The following is an entry in ClinVar:

ClinVar aggregate classification (germline): Uncertain significance (1 of 4 stars; one submission).

Conditions:
TPRKB-related disorder. Also called: TPRKB-related condition.

gnomAD v4.1: 19 of 1,611,784 alleles (0.0012%); highest among the groups gnomAD compares: Admixed American, 0.0017%; no homozygotes.

Submission:

PreventionGenetics, part of Exact Sciences
Classification: Uncertain significance for TPRKB-related condition. Last evaluated: 2023-04-05. Review status: criteria provided, single submitter. Criteria: ACMG Guidelines, 2015. Collection method: clinical testing. Allele origin: germline.
Comment: The TPRKB c.148G>T variant is predicted to result in the amino acid substitution p.Asp50Tyr. To our knowledge, this variant has not been reported in the literature. This variant is reported in 0.00089% of alleles in individuals of European (Non-Finnish) descent in gnomAD. At this time, the clinical significance of this variant is uncertain due to the absence of conclusive functional and genetic evidence.

NM_016058.5(TPRKB):c.148G>T (p.Asp50Tyr)

Gene: TPRKB (TP53RK binding protein; minus strand). Cytogenetic location: 2p13.1.
Variant type: single nucleotide variant.
Coding change: c.148G>T on transcript NM_016058.5 (MANE Select); coding-DNA position 148, G replaced by T.
Protein change: p.Asp50Tyr; replaces aspartic acid 50 with tyrosine.
Molecular consequence: missense variant.
Genome position (GRCh38, 1-based): chr2:73,732,279, C>A on the plus strand (G>T on the coding strand, the complement: TPRKB is on the minus strand). VCF-style: chr2-73732279-C-A. GRCh37 (hg19) VCF-style: chr2-73959406-C-A.
Other names: c.265G>T, p.Asp89Tyr (NM_001330386.2, NM_001330387.2); c.148G>T, p.Asp50Tyr (NM_001330388.2, NM_001330389.2); c.94G>T, p.Asp32Tyr (NM_001330390.2); c.49G>T, p.Asp17Tyr (NM_001330391.2, NM_001330392.2); short protein forms D17Y, D32Y, D50Y, D89Y.
Identifiers: ClinVar variation 2633614 (VCV002633614.1), dbSNP rs1334200376, ClinGen allele CA347271990.